The following is an entry in ClinVar:

NM_133497.4(KCNV2):c.190G>A (p.Glu64Lys)

Gene: KCNV2 (potassium voltage-gated channel modifier subfamily V member 2; plus strand). Cytogenetic location: 9p24.2.
Variant type: single nucleotide variant.
Coding change: c.190G>A on transcript NM_133497.4 (MANE Select); coding-DNA position 190, G replaced by A.
Protein change: p.Glu64Lys; replaces glutamic acid 64 with lysine.
Molecular consequence: missense variant.
Genome position (GRCh38, 1-based): chr9:2,717,929, G>A. VCF-style: chr9-2717929-G-A. GRCh37 (hg19) VCF-style: chr9-2717929-G-A.
Other names: short protein forms E64K.
Identifiers: ClinVar variation 1414169 (VCV001414169.3), dbSNP rs146541413, ClinGen allele CA4965357.

ClinVar aggregate classification (germline): Uncertain significance (1 of 4 stars; one submission).

Allele frequency attached by ClinVar (database versions not stated): gnomAD 0.00001; TOPMed 0.00001; ExAC 0.00002; gnomAD exomes 0.00002; 1000 Genomes Project 30x 0.00016; 1000 Genomes Project 0.00020.
gnomAD v4.1: 33 of 1,614,182 alleles (0.002%); highest among the groups gnomAD compares: Non-Finnish European, 0.0028%; no homozygotes.

Submission:

Labcorp Genetics (formerly Invitae), Labcorp
Classification: Uncertain significance. Last evaluated: 2022-07-10. Review status: criteria provided, single submitter. Criteria: Invitae Variant Classification Sherloc (09022015). Collection method: clinical testing. Allele origin: germline.
Comment: This sequence change replaces glutamic acid, which is acidic and polar, with lysine, which is basic and polar, at codon 64 of the KCNV2 protein (p.Glu64Lys). This variant is present in population databases (rs146541413, gnomAD 0.006%). This missense change has been observed in individual(s) with cone dystrophy (PMID: 21882291). ClinVar contains an entry for this variant (Variation ID: 1414169). Advanced modeling of protein sequence and biophysical properties (such as structural, functional, and spatial information, amino acid conservation, physicochemical variation, residue mobility, and thermodynamic stability) performed at Invitae indicates that this missense variant is not expected to disrupt KCNV2 protein function. In summary, the available evidence is currently insufficient to determine the role of this variant in disease. Therefore, it has been classified as a Variant of Uncertain Significance.

Literature cited by the submitters: PubMed 21882291.